The following is an entry in ClinVar:

NM_021008.4(DEAF1):c.88G>A (p.Ala30Thr)

Gene: DEAF1 (DEAF1 transcription factor; minus strand). Cytogenetic location: 11p15.5.
Variant type: single nucleotide variant.
Coding change: c.88G>A on transcript NM_021008.4 (MANE Select); coding-DNA position 88, G replaced by A.
Protein change: p.Ala30Thr; replaces alanine 30 with threonine.
Molecular consequence: missense variant. On other transcripts: intron variant (1).
Genome position (GRCh38, 1-based): chr11:694,960, C>T on the plus strand (G>A on the coding strand, the complement: DEAF1 is on the minus strand). VCF-style: chr11-694960-C-T. GRCh37 (hg19) VCF-style: chr11-694960-C-T.
Other names: c.88G>A, p.Ala30Thr (NM_001293634.2); c.-437-3362G>A (NM_001367390.1); short protein forms A30T.
Identifiers: ClinVar variation 2717274 (VCV002717274.3), dbSNP rs2133439426, ClinGen allele CA378940235.

ClinVar aggregate classification (germline): Uncertain significance (1 of 4 stars; one submission).

Submission:

Labcorp Genetics (formerly Invitae), Labcorp
Classification: Uncertain significance. Last evaluated: 2023-06-16. Review status: criteria provided, single submitter. Criteria: Invitae Variant Classification Sherloc (09022015). Collection method: clinical testing. Allele origin: germline.
Comment: This variant is not present in population databases (gnomAD no frequency). In summary, the available evidence is currently insufficient to determine the role of this variant in disease. Therefore, it has been classified as a Variant of Uncertain Significance. Advanced modeling of protein sequence and biophysical properties (such as structural, functional, and spatial information, amino acid conservation, physicochemical variation, residue mobility, and thermodynamic stability) has been performed at Invitae for this missense variant, however the output from this modeling did not meet the statistical confidence thresholds required to predict the impact of this variant on DEAF1 protein function. This variant has not been reported in the literature in individuals affected with DEAF1-related conditions. This sequence change replaces alanine, which is neutral and non-polar, with threonine, which is neutral and polar, at codon 30 of the DEAF1 protein (p.Ala30Thr).